The following is an entry in ClinVar:

ClinVar aggregate classification (germline): Uncertain significance. Review status: criteria provided, multiple submitters, no conflicts (2 of 4 stars). 2 submissions from 2 submitters: Uncertain significance (2). Last evaluated 2024-10-29.

Conditions:
Hereditary breast ovarian cancer syndrome. Also called: Hereditary breast and ovarian cancer syndrome; Hereditary breast and ovarian cancer syndrome (HBOC); Hereditary breast and/or ovarian cancer syndrome; Hereditary breast and ovarian cancer; Breast and ovarian cancer; BRCA1- and BRCA2-Associated Hereditary Breast and Ovarian Cancer. Identifiers: Orphanet 145, MedGen C0677776, MeSH D061325, MONDO:0003582. Disease mechanism: loss of function.
Hereditary cancer-predisposing syndrome. Also called: Hereditary Cancer Syndrome; Neoplastic Syndromes, Hereditary; Tumor predisposition; Hereditary neoplastic syndrome. Identifiers: Orphanet 140162, MedGen C0027672, MeSH D009386, MONDO:0015356.

Allele frequency attached by ClinVar (database versions not stated): gnomAD exomes below 0.00001.
gnomAD v4.1: 2 of 1,614,010 alleles (0.00012%); highest among the groups gnomAD compares: Non-Finnish European, 0.000085%; no homozygotes.

Submissions (2):

Color Diagnostics, LLC DBA Color Health
Classification: Uncertain significance for Hereditary cancer-predisposing syndrome. Last evaluated: 2024-10-29. Review status: criteria provided, single submitter. Criteria: ACMG Guidelines, 2015. Collection method: clinical testing. Allele origin: germline.
Comment: This missense variant replaces glycine with serine at codon 707 of the BRCA1 protein. Computational prediction suggests that this variant may not impact protein structure and function. To our knowledge, functional studies have not been reported for this variant. This variant has been detected in a breast cancer case-control meta-analysis in 0/60466 cases and 1/53461 unaffected individuals (PMID: 33471991; Leiden Open Variation Database DB-ID BRCA1_006459). This variant has not been identified in the general population by the Genome Aggregation Database (gnomAD). The available evidence is insufficient to determine the role of this variant in disease conclusively. Therefore, this variant is classified as a Variant of Uncertain Significance.

Labcorp Genetics (formerly Invitae), Labcorp
Classification: Uncertain significance for Hereditary breast ovarian cancer syndrome. Last evaluated: 2023-03-01. Review status: criteria provided, single submitter. Criteria: Invitae Variant Classification Sherloc (09022015). Collection method: clinical testing. Allele origin: germline.
Comment: In summary, the available evidence is currently insufficient to determine the role of this variant in disease. Therefore, it has been classified as a Variant of Uncertain Significance. Advanced modeling of protein sequence and biophysical properties (such as structural, functional, and spatial information, amino acid conservation, physicochemical variation, residue mobility, and thermodynamic stability) performed at Invitae indicates that this missense variant is not expected to disrupt BRCA1 protein function. This variant has not been reported in the literature in individuals affected with BRCA1-related conditions. This variant is not present in population databases (gnomAD no frequency). This sequence change replaces glycine, which is neutral and non-polar, with serine, which is neutral and polar, at codon 707 of the BRCA1 protein (p.Gly707Ser).

Literature cited by the submitters: PubMed 33471991 (cited by Color Diagnostics, LLC DBA Color Health).

NM_007294.4(BRCA1):c.2119G>A (p.Gly707Ser)

Gene: BRCA1 (BRCA1 DNA repair associated; minus strand). Cytogenetic location: 17q21.31.
Variant type: single nucleotide variant.
Coding change: c.2119G>A on transcript NM_007294.4 (MANE Select); coding-DNA position 2119, G replaced by A.
Protein change: p.Gly707Ser; replaces glycine 707 with serine.
Molecular consequence: missense variant. On other transcripts: intron variant (137).
Genome position (GRCh38, 1-based): chr17:43,093,412, C>T on the plus strand (G>A on the coding strand, the complement: BRCA1 is on the minus strand). VCF-style: chr17-43093412-C-T. GRCh37 (hg19) VCF-style: chr17-41245429-C-T.
Other names: c.2116G>A, p.Gly706Ser (NM_001407590.1, NM_001407591.1, NM_001407611.1 and 22 more transcripts); c.2119G>A, p.Gly707Ser (NM_001407593.1, NM_001407594.1, NM_001407596.1 and 30 more transcripts); c.1906G>A, p.Gly636Ser (NM_001407571.1, NM_001407853.1, NM_001407894.1 and 9 more transcripts); c.664+1332G>A (NM_001408438.1, NM_001408430.1, NM_001408427.1 and 12 more transcripts); c.671-2380G>A (NM_001408423.1, NM_001408420.1, NM_001408419.1 and 2 more transcripts); c.787+1332G>A (NM_001408404.1, NM_001408472.1, NM_001407990.1 and 17 more transcripts); c.788-1273G>A (NM_001407969.1, NM_001407968.1); c.577+1332G>A (NM_001408492.1, NM_001408513.1, NM_001408489.1 and 9 more transcripts); and 41 more; short protein forms G539S, G580S, G636S, G640S, G660S, G666S, G681S, G639S.
Identifiers: ClinVar variation 2796224 (VCV002796224.4), dbSNP rs587781420, ClinGen allele CA10597765.